The following is an entry in ClinVar:

NM_001162501.2(TNRC6B):c.5065C>T (p.Arg1689Ter)

Gene: TNRC6B (trinucleotide repeat containing adaptor 6B; plus strand). Cytogenetic location: 22q13.1.
Variant type: single nucleotide variant.
Coding change: c.5065C>T on transcript NM_001162501.2 (MANE Select); coding-DNA position 5065, C replaced by T.
Protein change: p.Arg1689Ter; replaces arginine 1689 with a stop codon.
Molecular consequence: nonsense.
Genome position (GRCh38, 1-based): chr22:40,321,180, C>T. VCF-style: chr22-40321180-C-T. GRCh37 (hg19) VCF-style: chr22-40717184-C-T.
Other names: c.2653C>T, p.Arg885Ter (NM_001024843.2); c.4735C>T, p.Arg1579Ter (NM_015088.3); short protein forms R1579*, R1689*, R885*.
Identifiers: ClinVar variation 3390725 (VCV003390725.1).

ClinVar aggregate classification (germline): Uncertain significance (1 of 4 stars; one submission).

Submission:

GeneDx
Classification: Uncertain significance. Last evaluated: 2024-06-11. Review status: criteria provided, single submitter. Criteria: GeneDx Variant Classification Process June 2021. Collection method: clinical testing. Allele origin: germline. Affected: yes.
Comment: Nonsense variant predicted to result in protein truncation as the last 145 amino acids are lost; Not observed at significant frequency in large population cohorts (gnomAD); Has not been previously published as pathogenic or benign to our knowledge